The following is an entry in ClinVar:

ClinVar aggregate classification (germline): Likely pathogenic (1 of 4 stars; one submission).

Conditions:
Classic homocystinuria. Also called: HOMOCYSTINURIA WITH OR WITHOUT RESPONSE TO PYRIDOXINE; Homocystinuria due to CBS deficiency; Cystathionine beta-synthase deficiency; CBS deficiency; Homocystinuria due to Cystathionine Beta-Synthase Deficiency. Identifiers: Orphanet 394, MedGen C0751202, MONDO:0009352, OMIM 236200.

Submission:

Natera, Inc.
Classification: Likely pathogenic for Homocystinuria due to cystathionine beta-synthase deficiency. Last evaluated: 2025-01-31. Review status: criteria provided, single submitter. Criteria: Natera Variant Classification Schema (03/2026). Collection method: clinical testing. Allele origin: germline.
Comment: The c.3G>A variant in CBS is predicted to result in start loss due to disruption of the initiator methionine. This variant is expected to result in nonsense mediated decay, truncation, or a dysfunctional protein product. This variant is rare in the general population with a frequency below the threshold expected for the associated phenotype(s). Given the available evidence, this variant is classified as Likely Pathogenic.

NM_000071.3(CBS):c.3G>A (p.Met1Ile)

Gene: CBS (cystathionine beta-synthase; minus strand). Cytogenetic location: 21q22.3.
Variant type: single nucleotide variant.
Coding change: c.3G>A on transcript NM_000071.3 (MANE Select); coding-DNA position 3, G replaced by A.
Protein change: p.Met1Ile; changes the start codon (methionine 1).
Molecular consequence: missense variant, initiator codon variant.
Genome position (GRCh38, 1-based): chr21:43,072,191, C>T on the plus strand (G>A on the coding strand, the complement: CBS is on the minus strand). VCF-style: chr21-43072191-C-T. GRCh37 (hg19) VCF-style: chr21-44492301-C-T.
Other names: c.3G>A, p.Met1Ile (NM_001178008.3, NM_001178009.3, NM_001320298.2); short protein forms M1I.
Identifiers: ClinVar variation 4064008 (VCV004064008.2).